The following is an entry in ClinVar:

NM_024496.4(IRF2BPL):c.1743G>A (p.Met581Ile)

Gene: IRF2BPL (interferon regulatory factor 2 binding protein like; minus strand). Cytogenetic location: 14q24.3.
Variant type: single nucleotide variant.
Coding change: c.1743G>A on transcript NM_024496.4 (MANE Select); coding-DNA position 1743, G replaced by A.
Protein change: p.Met581Ile; replaces methionine 581 with isoleucine.
Molecular consequence: missense variant.
Genome position (GRCh38, 1-based): chr14:77,026,050, C>T on the plus strand (G>A on the coding strand, the complement: IRF2BPL is on the minus strand). VCF-style: chr14-77026050-C-T. GRCh37 (hg19) VCF-style: chr14-77492393-C-T.
Other names: short protein forms M581I.
Identifiers: ClinVar variation 2446180 (VCV002446180.1), dbSNP rs2503075106, ClinGen allele CA390492094.

ClinVar aggregate classification (germline): Uncertain significance (1 of 4 stars; one submission).

Submission:

GeneDx
Classification: Uncertain significance. Last evaluated: 2022-09-23. Review status: criteria provided, single submitter. Criteria: GeneDx Variant Classification Process June 2021. Collection method: clinical testing. Allele origin: germline. Affected: yes.
Comment: Not observed at significant frequency in large population cohorts (gnomAD); In silico analysis supports that this missense variant does not alter protein structure/function; Has not been previously published as pathogenic or benign to our knowledge